The following is an entry in ClinVar:

ClinVar aggregate classification (germline): Uncertain significance (1 of 4 stars; one submission).

gnomAD v4.1: 3 of 1,209,569 alleles (0.00025%); highest among the groups gnomAD compares: East Asian, 0.003%; no homozygotes.

Submission:

GeneDx
Classification: Uncertain significance. Last evaluated: 2024-12-10. Review status: criteria provided, single submitter. Criteria: GeneDx Variant Classification Process June 2021. Collection method: clinical testing. Allele origin: germline. Affected: yes.
Comment: In silico analysis indicates that this variant does not alter splicing; Reported using an alternate transcript of the gene; This variant is associated with the following publications: (PMID: 36902777)

NM_000032.5(ALAS2):c.-15-1756A>G

Genes: ALAS2 (5'-aminolevulinate synthase 2; minus strand), LOC108663984 (ALAS2 intron 1 and 3 erythroid regulatory elements; plus strand). Cytogenetic location: Xp11.21.
Variant type: single nucleotide variant.
Coding change: c.-15-1756A>G on transcript NM_000032.5 (MANE Select); 1756 bases into the intron before 15 bases upstream of the start codon, A replaced by G.
Molecular consequence: intron variant. On other transcripts: missense variant (1).
Genome position (GRCh38, 1-based): chrX:55,027,771, T>C on the plus strand (A>G on the coding strand, the complement: ALAS2 is on the minus strand). VCF-style: chrX-55027771-T-C. GRCh37 (hg19) VCF-style: chrX-55054204-T-C.
Other names: c.37A>G, p.Lys13Glu (NM_001037968.4); c.-15-1756A>G (NM_001037967.4); short protein forms K13E.
Identifiers: ClinVar variation 3903194 (VCV003903194.1).